The following is an entry in ClinVar:

ClinVar aggregate classification (germline): Uncertain significance (1 of 4 stars; one submission).

Conditions:
Pyruvate dehydrogenase E2 deficiency (PDHDD). Also called: Dihydrolipoamide Acetyltransferase (E2) Deficiency; LACTIC ACIDEMIA DUE TO DEFECT OF E2 LIPOYL TRANSACETYLASE OF THE PYRUVATE DEHYDROGENASE COMPLEX. Identifiers: Orphanet 765, Orphanet 79244, MedGen C1855565, MONDO:0009502, OMIM 245348.

Submission:

Labcorp Genetics (formerly Invitae), Labcorp
Classification: Uncertain significance for Pyruvate dehydrogenase E2 deficiency. Last evaluated: 2022-09-27. Review status: criteria provided, single submitter. Criteria: Invitae Variant Classification Sherloc (09022015). Collection method: clinical testing. Allele origin: germline.
Comment: In summary, the available evidence is currently insufficient to determine the role of this variant in disease. Therefore, it has been classified as a Variant of Uncertain Significance. Advanced modeling of protein sequence and biophysical properties (such as structural, functional, and spatial information, amino acid conservation, physicochemical variation, residue mobility, and thermodynamic stability) performed at Invitae indicates that this missense variant is not expected to disrupt DLAT protein function. This variant has not been reported in the literature in individuals affected with DLAT-related conditions. This variant is not present in population databases (gnomAD no frequency). This sequence change replaces valine, which is neutral and non-polar, with leucine, which is neutral and non-polar, at codon 460 of the DLAT protein (p.Val460Leu).

NM_001931.5(DLAT):c.1378G>T (p.Val460Leu)

Gene: DLAT (dihydrolipoamide S-acetyltransferase; plus strand). Cytogenetic location: 11q23.1.
Variant type: single nucleotide variant.
Coding change: c.1378G>T on transcript NM_001931.5 (MANE Select); coding-DNA position 1378, G replaced by T.
Protein change: p.Val460Leu; replaces valine 460 with leucine.
Molecular consequence: missense variant. On other transcripts: non-coding transcript variant (1), intron variant (2).
Genome position (GRCh38, 1-based): chr11:112,045,950, G>T. VCF-style: chr11-112045950-G-T. GRCh37 (hg19) VCF-style: chr11-111916674-G-T.
Other names: c.1378G>T, p.Val460Leu (NM_001372031.1, NM_001372033.1); c.1372G>T, p.Val458Leu (NM_001372032.1); c.1345G>T, p.Val449Leu (NM_001372034.1); c.1252G>T, p.Val418Leu (NM_001372036.1); c.1210G>T, p.Val404Leu (NM_001372037.1); c.1099G>T, p.Val367Leu (NM_001372038.1); c.1063G>T, p.Val355Leu (NM_001372039.1); c.997G>T, p.Val333Leu (NM_001372040.1); and 3 more; short protein forms V306L, V367L, V458L, V460L, V333L, V355L, V449L, V418L.
Identifiers: ClinVar variation 2085343 (VCV002085343.4), dbSNP rs2498545485, ClinGen allele CA382614547.